The following is an entry in ClinVar:

NM_014714.4(IFT140):c.4270C>T (p.His1424Tyr)

Gene: IFT140 (intraflagellar transport 140; minus strand). Cytogenetic location: 16p13.3.
Variant type: single nucleotide variant.
Coding change: c.4270C>T on transcript NM_014714.4 (MANE Select); coding-DNA position 4270, C replaced by T.
Protein change: p.His1424Tyr; replaces histidine 1424 with tyrosine.
Molecular consequence: missense variant.
Genome position (GRCh38, 1-based): chr16:1,511,063, G>A on the plus strand (C>T on the coding strand, the complement: IFT140 is on the minus strand). VCF-style: chr16-1511063-G-A. GRCh37 (hg19) VCF-style: chr16-1561064-G-A.
Other names: short protein forms H1424Y.
Identifiers: ClinVar variation 2163214 (VCV002163214.2), dbSNP rs2506016847, ClinGen allele CA394222411.
Genomic context (GRCh38, chr16:1,511,063, plus strand): 5'-TGCTGTTGTGGCGGACCTGCTCGGGGACGGTGCGTGGCAGTGGGAGACCCAGCCCCCGGT[G>A]CACGGCGTCCACGGCCTGCGGGCTCACGTAGTAGGACATGTTGGCCAAGGGAAGCCGCCG-3'
Protein context (NP_055529.2, residues 1414-1434): YVSPQAVDAV[His1424Tyr]RGLGLPLPRT

ClinVar aggregate classification (germline): Uncertain significance. Review status: criteria provided, multiple submitters, no conflicts (2 of 4 stars). 2 submissions from 2 submitters: Uncertain significance (2). Last evaluated 2024-06-13.

Conditions:
Saldino-Mainzer syndrome (SRTD9). Also called: Renal dysplasia, retinal pigmentary dystrophy, cerebellar ataxia and skeletal dysplasia; short-rib thoracic dysplasia 9 with or without polydactyly; CONORENAL SYNDROME; SHORT-RIB THORACIC DYSPLASIA 9 WITHOUT POLYDACTYLY. Identifiers: Orphanet 140969, MedGen C1849437, MONDO:0009964, OMIM 266920.

Allele frequency attached by ClinVar (database versions not stated): gnomAD exomes below 0.00001.
gnomAD v4.1: 3 of 1,608,096 alleles (0.00019%); highest among the groups gnomAD compares: Non-Finnish European, 0.000085%; no homozygotes.

Submissions (2):

Blueprint Genetics
Classification: Uncertain significance. Last evaluated: 2024-06-13. Review status: criteria provided, single submitter. Criteria: ACMG Guidelines, 2015. Collection method: clinical testing. Allele origin: germline.

Labcorp Genetics (formerly Invitae), Labcorp
Classification: Uncertain significance for Saldino-Mainzer syndrome. Last evaluated: 2022-05-17. Review status: criteria provided, single submitter. Criteria: Invitae Variant Classification Sherloc (09022015). Collection method: clinical testing. Allele origin: germline.
Comment: This sequence change replaces histidine, which is basic and polar, with tyrosine, which is neutral and polar, at codon 1424 of the IFT140 protein (p.His1424Tyr). This variant is not present in population databases (gnomAD no frequency). This variant has not been reported in the literature in individuals affected with IFT140-related conditions. Algorithms developed to predict the effect of missense changes on protein structure and function output the following: SIFT: "Tolerated"; PolyPhen-2: "Benign"; Align-GVGD: "Class C0". The tyrosine amino acid residue is found in multiple mammalian species, which suggests that this missense change does not adversely affect protein function. In summary, the available evidence is currently insufficient to determine the role of this variant in disease. Therefore, it has been classified as a Variant of Uncertain Significance.